The following is an entry in ClinVar:

NM_003024.3(ITSN1):c.3469+7A>C

Gene: ITSN1 (intersectin 1; plus strand). Cytogenetic location: 21q22.11.
Variant type: single nucleotide variant.
Coding change: c.3469+7A>C on transcript NM_003024.3 (MANE Select); 7 bases into the intron after coding-DNA position 3469, A replaced by C.
Molecular consequence: intron variant.
Genome position (GRCh38, 1-based): chr21:33,834,431, A>C. VCF-style: chr21-33834431-A-C. GRCh37 (hg19) VCF-style: chr21-35206735-A-C.
Other names: c.3454+7A>C (NM_001331010.2, NM_001331009.2); c.3469+7A>C (NM_001001132.2, NM_003024.2); c.3256+7A>C (NM_001331008.2); c.3241+7A>C (NM_001331011.2); c.3343+7A>C (NM_001331012.2).
Identifiers: ClinVar variation 786976 (VCV000786976.5), dbSNP rs28678430, ClinGen allele CA10012147.
Genomic context (GRCh38, chr21:33,834,431, plus strand): 5'-GGACGAGCAAAATCACTCCAACAGAGCCACCTAAGTCAACAGCATTAGCGGCAGGTAAGG[A>C]GTTTCGCATCTCTAACTGGAAGATGGTCTGCATGCCACTTGAGTTTTTCCACTTGATTTT-3'

ClinVar aggregate classification (germline): Benign. Review status: criteria provided, single submitter (1 of 4 stars). 2 submissions from 2 submitters: Benign (1). 1 of the submissions does not count toward it. Last evaluated 2018-10-10.

Conditions:
ITSN1-related disorder. Also called: ITSN1-related condition.

Allele frequency attached by ClinVar (database versions not stated): gnomAD exomes 0.00063 and 0.00178; ExAC 0.00314; 1000 Genomes Project 0.00559; 1000 Genomes Project 30x 0.00562; ESP Exome Variant Server 0.00654; gnomAD 0.00660 and 0.00705; TOPMed 0.00771.
gnomAD v4.1: 1,970 of 1,584,332 alleles (0.12%); highest among the groups gnomAD compares: African/African-American, 2.3%; 17 homozygotes.

Submissions (2):

Labcorp Genetics (formerly Invitae), Labcorp
Classification: Benign. Last evaluated: 2018-10-10. Review status: criteria provided, single submitter. Criteria: Invitae Variant Classification Sherloc (09022015). Collection method: clinical testing. Allele origin: germline.

PreventionGenetics, part of Exact Sciences
Classification: Benign for ITSN1-related condition. Last evaluated: 2019-02-22. Review status: no assertion criteria provided. Collection method: clinical testing. Allele origin: germline. Not counted in ClinVar's aggregate classification.
Comment: This variant is classified as benign based on ACMG/AMP sequence variant interpretation guidelines (Richards et al. 2015 PMID: 25741868, with internal and published modifications).